The following is an entry in ClinVar:

ClinVar aggregate classification (germline): Conflicting classifications of pathogenicity. Review status: criteria provided, conflicting classifications (1 of 4 stars). 3 submissions from 3 submitters: Uncertain significance (1); Benign (1); Likely benign (1). Last evaluated 2025-06-22.

Conditions:
Collagen 6-related myopathy. Identifiers: MedGen CN117976, MONDO:0100225.
Bethlem myopathy 1A. Also called: Bethlem Muscular Dystrophy; MYOPATHY, BENIGN CONGENITAL, WITH CONTRACTURES; Bethlem myopathy 1. Identifiers: Orphanet 610, MedGen CN029274, MONDO:0024530, OMIM 158810.

Allele frequency attached by ClinVar (database versions not stated): gnomAD exomes 0.00004; TOPMed 0.00004; ExAC 0.00007; ESP Exome Variant Server 0.00015; 1000 Genomes Project 0.00020.
gnomAD v4.1: 55 of 1,614,000 alleles (0.0034%); highest among the groups gnomAD compares: East Asian, 0.053%; no homozygotes.

Submissions (3):

Labcorp Genetics (formerly Invitae), Labcorp
Classification: Likely benign for Bethlem myopathy 1A. Last evaluated: 2025-06-22. Review status: criteria provided, single submitter. Criteria: Invitae Variant Classification Sherloc (09022015). Collection method: clinical testing. Allele origin: germline.

Eurofins Ntd Llc (ga)
Classification: Uncertain significance. Last evaluated: 2018-02-15. Review status: criteria provided, single submitter. Criteria: EGL ClinVar v180209 classification definitions. Collection method: clinical testing. Allele origin: germline. Observed: 1 variant allele, 1 heterozygote.

Illumina Laboratory Services, Illumina
Classification: Benign for Collagen VI-related myopathy. Last evaluated: 2018-01-12. Review status: criteria provided, single submitter. Criteria: ICSL Variant Classification Criteria 13 December 2019. Collection method: clinical testing. Allele origin: germline.
Comment: This variant was observed in the ICSL laboratory as part of a predisposition screen in an ostensibly healthy population. It had not been previously curated by ICSL or reported in the Human Gene Mutation Database (HGMD: prior to June 1st, 2018), and was therefore a candidate for classification through an automated scoring system. Utilizing variant allele frequency, disease prevalence and penetrance estimates, and inheritance mode, an automated score was calculated to assess if this variant is too frequent to cause the disease. Based on the score and internal cut-off values, a variant classified as benign is not then subjected to further curation. The score for this variant resulted in a classification of benign for this disease.

NM_004369.4(COL6A3):c.6852C>T (p.Ile2284=)

Gene: COL6A3 (collagen type VI alpha 3 chain; minus strand). Cytogenetic location: 2q37.3.
Variant type: single nucleotide variant.
Coding change: c.6852C>T on transcript NM_004369.4 (MANE Select); coding-DNA position 6852, C replaced by T.
Protein change: p.Ile2284=; no amino-acid change (isoleucine 2284 retained).
Molecular consequence: synonymous variant.
Genome position (GRCh38, 1-based): chr2:237,350,174, G>A on the plus strand (C>T on the coding strand, the complement: COL6A3 is on the minus strand). VCF-style: chr2-237350174-G-A. GRCh37 (hg19) VCF-style: chr2-238258817-G-A.
Other names: c.5031C>T, p.Ile1677= (NM_057166.5); c.6234C>T, p.Ile2078= (NM_057167.4).
Identifiers: ClinVar variation 335112 (VCV000335112.19), dbSNP rs374952003, ClinGen allele CA2188061.